The following is an entry in ClinVar:

NM_018389.5(SLC35C1):c.260T>C (p.Leu87Pro)

Gene: SLC35C1 (solute carrier family 35 member C1; plus strand). Cytogenetic location: 11p11.2.
Variant type: single nucleotide variant.
Coding change: c.260T>C on transcript NM_018389.5 (MANE Select); coding-DNA position 260, T replaced by C.
Protein change: p.Leu87Pro; replaces leucine 87 with proline.
Molecular consequence: missense variant.
Genome position (GRCh38, 1-based): chr11:45,806,061, T>C. VCF-style: chr11-45806061-T-C. GRCh37 (hg19) VCF-style: chr11-45827612-T-C.
Other names: c.221T>C, p.Leu74Pro (NM_001145265.2, NM_001145266.2); short protein forms L87P, L74P.
Identifiers: ClinVar variation 1345882 (VCV001345882.7), dbSNP rs2134590175, ClinGen allele CA380202607.

ClinVar aggregate classification (germline): Uncertain significance (1 of 4 stars; one submission).

Conditions:
Leukocyte adhesion deficiency type II. Also called: CONGENITAL DISORDER OF GLYCOSYLATION, TYPE IIc; Congenital disorder of glycosylation type 2C; CDG 2C; Leukocyte adhesion deficiency type 2; Rambam Hasharon syndrome; CDG IIc. Identifiers: Orphanet 2968, Orphanet 99843, MedGen C0398739, MONDO:0009953, OMIM 266265.

Submission:

Labcorp Genetics (formerly Invitae), Labcorp
Classification: Uncertain significance for Leukocyte adhesion deficiency type II. Last evaluated: 2021-04-16. Review status: criteria provided, single submitter. Criteria: Invitae Variant Classification Sherloc (09022015). Collection method: clinical testing. Allele origin: germline.
Comment: Algorithms developed to predict the effect of missense changes on protein structure and function are either unavailable or do not agree on the potential impact of this missense change (SIFT: "Deleterious"; PolyPhen-2: "Possibly Damaging"; Align-GVGD: "Class C0"). In summary, the available evidence is currently insufficient to determine the role of this variant in disease. Therefore, it has been classified as a Variant of Uncertain Significance. This sequence change replaces leucine with proline at codon 87 of the SLC35C1 protein (p.Leu87Pro). The leucine residue is moderately conserved and there is a moderate physicochemical difference between leucine and proline. This variant is not present in population databases (ExAC no frequency). This variant has not been reported in the literature in individuals with SLC35C1-related conditions.